The following is an entry in ClinVar:

NM_015338.6(ASXL1):c.4486A>G (p.Ser1496Gly)

Gene: ASXL1 (ASXL transcriptional regulator 1; plus strand). Cytogenetic location: 20q11.21.
Variant type: single nucleotide variant.
Coding change: c.4486A>G on transcript NM_015338.6 (MANE Select); coding-DNA position 4486, A replaced by G.
Protein change: p.Ser1496Gly; replaces serine 1496 with glycine.
Molecular consequence: missense variant.
Genome position (GRCh38, 1-based): chr20:32,437,198, A>G. VCF-style: chr20-32437198-A-G. GRCh37 (hg19) VCF-style: chr20-31025001-A-G.
Other names: c.4303A>G, p.Ser1435Gly (NM_001363734.1); short protein forms S1435G, S1496G.
Identifiers: ClinVar variation 3897382 (VCV003897382.2).

ClinVar aggregate classification (germline): Uncertain significance. Review status: criteria provided, multiple submitters, no conflicts (2 of 4 stars). 2 submissions from 2 submitters: Uncertain significance (2). Last evaluated 2025-11-29.

Conditions:
Inborn genetic diseases. Identifiers: MedGen C0950123, MeSH D030342.

gnomAD v4.1: 1 of 1,613,726 alleles (0.000062%); highest among the groups gnomAD compares: Non-Finnish European, 0.000085%; no homozygotes.

Submissions (2):

Ambry Genetics
Classification: Uncertain significance for Inborn genetic diseases. Last evaluated: 2025-11-29. Review status: criteria provided, single submitter. Criteria: Ambry Variant Classification Scheme 2023. Collection method: clinical testing. Allele origin: germline.
Comment: The p.S1496G variant (also known as c.4486A>G), located in coding exon 13 of the ASXL1 gene, results from an A to G substitution at nucleotide position 4486. The serine at codon 1496 is replaced by glycine, an amino acid with similar properties. This amino acid position is conserved. In addition, this alteration is predicted to be tolerated by in silico analysis. Based on the available evidence, the clinical significance of this variant remains unclear.

GeneDx
Classification: Uncertain significance. Last evaluated: 2024-11-01. Review status: criteria provided, single submitter. Criteria: GeneDx Variant Classification Process June 2021. Collection method: clinical testing. Allele origin: germline. Affected: yes.
Comment: Not observed at significant frequency in large population cohorts (gnomAD); In silico analysis indicates that this missense variant does not alter protein structure/function; Has not been previously published as pathogenic or benign to our knowledge